The following is an entry in ClinVar:

NM_021118.3(CYLC1):c.96C>T (p.His32=)

Gene: CYLC1 (cylicin 1; plus strand). Cytogenetic location: Xq21.1.
Variant type: single nucleotide variant.
Coding change: c.96C>T on transcript NM_021118.3 (MANE Select); coding-DNA position 96, C replaced by T.
Protein change: p.His32=; no amino-acid change (histidine 32 retained).
Molecular consequence: synonymous variant.
Genome position (GRCh38, 1-based): chrX:83,871,489, C>T. VCF-style: chrX-83871489-C-T. GRCh37 (hg19) VCF-style: chrX-83126497-C-T.
Other names: c.93C>T, p.His31= (NM_001271680.2).
Identifiers: ClinVar variation 2660991 (VCV002660991.24), dbSNP rs781282634, ClinGen allele CA10462876.
Genomic context (GRCh38, chrX:83,871,489, plus strand): 5'-GTTTATTATCCTTTCTCATTTAGTCAGTGAATCAAGCAGAAAATCATGGAATCAAAAACA[C>T]TTTGCTTTGACATTTCCCAAACCACTCCAGAGAGGTACAAATGATAAATCAAGACCTTTG-3'
Protein context (NP_066941.1, residues 22-42): ESSRKSWNQK[His32=]FALTFPKPLQ

ClinVar aggregate classification (germline): Likely benign (1 of 4 stars; one submission).

Allele frequency attached by ClinVar (database versions not stated): gnomAD 0.00001; gnomAD exomes 0.00005; ExAC 0.00010.
gnomAD v4.1: 56 of 1,201,982 alleles (0.0047%); highest among the groups gnomAD compares: South Asian, 0.09%; no homozygotes.

Submission:

CeGaT Center for Human Genetics Tuebingen
Classification: Likely benign. Last evaluated: 2022-09-01. Review status: criteria provided, single submitter. Criteria: CeGaT Center For Human Genetics Tuebingen Variant Classification Criteria Version 2. Collection method: clinical testing. Allele origin: germline. Affected: yes. Observed: 1 variant allele.
Comment: CYLC1: BP4, BP7